The following is an entry in ClinVar:

NM_001163435.3(TBCK):c.1778A>T (p.Tyr593Phe)

Gene: TBCK (TBC1 domain containing kinase; minus strand). Cytogenetic location: 4q24.
Variant type: single nucleotide variant.
Coding change: c.1778A>T on transcript NM_001163435.3 (MANE Select); coding-DNA position 1778, A replaced by T.
Protein change: p.Tyr593Phe; replaces tyrosine 593 with phenylalanine.
Molecular consequence: missense variant.
Genome position (GRCh38, 1-based): chr4:106,212,832, T>A on the plus strand (A>T on the coding strand, the complement: TBCK is on the minus strand). VCF-style: chr4-106212832-T-A. GRCh37 (hg19) VCF-style: chr4-107133989-T-A.
Other names: c.1778A>T, p.Tyr593Phe (NM_001163436.4); c.1661A>T, p.Tyr554Phe (NM_001163437.3); c.1262A>T, p.Tyr421Phe (NM_001290768.2); c.1589A>T, p.Tyr530Phe (NM_033115.5); short protein forms Y554F, Y421F, Y593F, Y530F.
Identifiers: ClinVar variation 1402508 (VCV001402508.5), dbSNP rs750823464, ClinGen allele CA3034931.

ClinVar aggregate classification (germline): Uncertain significance (1 of 4 stars; one submission).

Allele frequency attached by ClinVar (database versions not stated): ExAC 0.00002; gnomAD exomes 0.00002.
gnomAD v4.1: 19 of 1,607,612 alleles (0.0012%); highest among the groups gnomAD compares: South Asian, 0.011%; no homozygotes.

Submission:

Labcorp Genetics (formerly Invitae), Labcorp
Classification: Uncertain significance. Last evaluated: 2021-10-29. Review status: criteria provided, single submitter. Criteria: Invitae Variant Classification Sherloc (09022015). Collection method: clinical testing. Allele origin: germline.
Comment: This sequence change replaces tyrosine, which is neutral and polar, with phenylalanine, which is neutral and non-polar, at codon 593 of the TBCK protein (p.Tyr593Phe). This variant is present in population databases (rs750823464, gnomAD 0.01%). This variant has not been reported in the literature in individuals affected with TBCK-related conditions. Algorithms developed to predict the effect of missense changes on protein structure and function are either unavailable or do not agree on the potential impact of this missense change (SIFT: "Deleterious"; PolyPhen-2: "Probably Damaging"; Align-GVGD: "Class C0"). In summary, the available evidence is currently insufficient to determine the role of this variant in disease. Therefore, it has been classified as a Variant of Uncertain Significance.